The following is an entry in ClinVar:

NM_001375524.1(TRRAP):c.1215C>T (p.Asn405=)

Gene: TRRAP (transformation/transcription domain associated protein; plus strand). Cytogenetic location: 7q22.1.
Variant type: single nucleotide variant.
Coding change: c.1215C>T on transcript NM_001375524.1 (MANE Select); coding-DNA position 1215, C replaced by T.
Protein change: p.Asn405=; no amino-acid change (asparagine 405 retained).
Molecular consequence: synonymous variant.
Genome position (GRCh38, 1-based): chr7:98,908,827, C>T. VCF-style: chr7-98908827-C-T. GRCh37 (hg19) VCF-style: chr7-98506450-C-T.
Other names: c.1215C>T, p.Asn405= (NM_001244580.2, NM_003496.4).
Identifiers: ClinVar variation 1951453 (VCV001951453.13), dbSNP rs1554407980, ClinGen allele CA456656471.

ClinVar aggregate classification (germline): Likely benign. Review status: criteria provided, multiple submitters, no conflicts (2 of 4 stars). 3 submissions from 3 submitters: Likely benign (3). Last evaluated 2025-09-01.

Allele frequency attached by ClinVar (database versions not stated): gnomAD exomes below 0.00001.
gnomAD v4.1: 4 of 1,612,538 alleles (0.00025%); highest among the groups gnomAD compares: Admixed American, 0.0017%; no homozygotes.

Submissions (3):

CeGaT Center for Human Genetics Tuebingen
Classification: Likely benign. Last evaluated: 2025-09-01. Review status: criteria provided, single submitter. Criteria: CeGaT Center For Human Genetics Tuebingen Variant Classification Criteria Version 2. Collection method: clinical testing. Allele origin: germline. Affected: yes. Observed: 1 variant allele.
Comment: TRRAP: BP4, BP7

Blueprint Genetics
Classification: Likely benign. Last evaluated: 2024-07-10. Review status: criteria provided, single submitter. Criteria: ACMG Guidelines, 2015. Collection method: clinical testing. Allele origin: germline.

Labcorp Genetics (formerly Invitae), Labcorp
Classification: Likely benign. Last evaluated: 2022-07-25. Review status: criteria provided, single submitter. Criteria: Invitae Variant Classification Sherloc (09022015). Collection method: clinical testing. Allele origin: germline.